The following is an entry in ClinVar:

NM_199420.4(POLQ):c.3751C>T (p.His1251Tyr)

Gene: POLQ (DNA polymerase theta; minus strand). Cytogenetic location: 3q13.33.
Variant type: single nucleotide variant.
Coding change: c.3751C>T on transcript NM_199420.4 (MANE Select); coding-DNA position 3751, C replaced by T.
Protein change: p.His1251Tyr; replaces histidine 1251 with tyrosine.
Molecular consequence: missense variant.
Genome position (GRCh38, 1-based): chr3:121,489,180, G>A on the plus strand (C>T on the coding strand, the complement: POLQ is on the minus strand). VCF-style: chr3-121489180-G-A. GRCh37 (hg19) VCF-style: chr3-121208027-G-A.
Other names: short protein forms H1251Y.
Identifiers: ClinVar variation 2561742 (VCV002561742.2), dbSNP rs1651884781, ClinGen allele CA354097508.
Genomic context (GRCh38, chr3:121,489,180, plus strand): 5'-ATGGAAGTACTTCACTGGGTATCACAGTTCTGCTTATATCATCTCCTAATGCCTGAAAAT[G>A]ACTTGGTTTATTTTCCTCTGTATTAAGCTTTATCCTTTCACAATTGATAGTAACATTTGA-3'
Protein context (NP_955452.3, residues 1241-1261): KLNTEENKPS[His1251Tyr]FQALGDDISR

ClinVar aggregate classification (germline): Uncertain significance (1 of 4 stars; one submission).

Allele frequency attached by ClinVar (database versions not stated): TOPMed below 0.00001.

Submission:

Ambry Genetics
Classification: Uncertain significance. Last evaluated: 2023-03-25. Review status: criteria provided, single submitter. Criteria: Ambry Variant Classification Scheme 2023. Collection method: clinical testing. Allele origin: germline.
Comment: The p.H1251Y variant (also known as c.3751C>T), located in coding exon 16 of the POLQ gene, results from a C to T substitution at nucleotide position 3751. The histidine at codon 1251 is replaced by tyrosine, an amino acid with similar properties. This amino acid position is conserved. In addition, this alteration is predicted to be tolerated by in silico analysis. Since supporting evidence is limited at this time, the clinical significance of this alteration remains unclear.